The following is an entry in ClinVar:

ClinVar aggregate classification (germline): Likely benign (1 of 4 stars; one submission).

Allele frequency attached by ClinVar (database versions not stated): ESP Exome Variant Server 0.00015; gnomAD 0.00020; gnomAD exomes 0.00020; TOPMed 0.00025; ExAC 0.00034.
gnomAD v4.1: 344 of 1,613,834 alleles (0.021%); highest among the groups gnomAD compares: Non-Finnish European, 0.0048%; 2 homozygotes.

Submission:

CeGaT Center for Human Genetics Tuebingen
Classification: Likely benign. Last evaluated: 2024-03-01. Review status: criteria provided, single submitter. Criteria: CeGaT Center For Human Genetics Tuebingen Variant Classification Criteria Version 2. Collection method: clinical testing. Allele origin: germline. Affected: yes. Observed: 1 variant allele.
Comment: ZNF510: BP4

NM_014930.3(ZNF510):c.1976A>G (p.Asn659Ser)

Gene: ZNF510 (zinc finger protein 510; minus strand). Cytogenetic location: 9q22.33.
Variant type: single nucleotide variant.
Coding change: c.1976A>G on transcript NM_014930.3 (MANE Select); coding-DNA position 1976, A replaced by G.
Protein change: p.Asn659Ser; replaces asparagine 659 with serine.
Molecular consequence: missense variant.
Genome position (GRCh38, 1-based): chr9:96,758,854, T>C on the plus strand (A>G on the coding strand, the complement: ZNF510 is on the minus strand). VCF-style: chr9-96758854-T-C. GRCh37 (hg19) VCF-style: chr9-99521136-T-C.
Other names: c.1976A>G, p.Asn659Ser (NM_001314059.2); c.1790A>G, p.Asn597Ser (NM_001314060.2); short protein forms N597S, N659S.
Identifiers: ClinVar variation 3067234 (VCV003067234.21), dbSNP rs200860847, ClinGen allele CA5142311.